The following is an entry in ClinVar:

ClinVar aggregate classification (germline): Uncertain significance. Review status: criteria provided, multiple submitters, no conflicts (2 of 4 stars). 2 submissions from 2 submitters: Uncertain significance (2). Last evaluated 2025-09-25.

Conditions:
Fanconi anemia (FA). Also called: Fanconi's anemia. Identifiers: Orphanet 84, MedGen C0015625, MeSH D005199, MONDO:0019391.

Allele frequency attached by ClinVar (database versions not stated): gnomAD exomes 0.00002 and 0.00005; ExAC 0.00001; TOPMed 0.00001; gnomAD 0.00002.
gnomAD v4.1: 75 of 1,613,868 alleles (0.0046%); highest among the groups gnomAD compares: Non-Finnish European, 0.006%; no homozygotes.

Submissions (2):

GeneDx
Classification: Uncertain significance. Last evaluated: 2025-09-25. Review status: criteria provided, single submitter. Criteria: GeneDx Variant Classification Process June 2021. Collection method: clinical testing. Allele origin: germline. Affected: yes.
Comment: Not observed at significant frequency in large population cohorts (gnomAD); In silico analysis suggests that this missense variant does not alter protein structure/function; Has not been previously published as pathogenic or benign to our knowledge

Labcorp Genetics (formerly Invitae), Labcorp
Classification: Uncertain significance for Fanconi anemia. Last evaluated: 2025-07-02. Review status: criteria provided, single submitter. Criteria: Invitae Variant Classification Sherloc (09022015). Collection method: clinical testing. Allele origin: germline.
Comment: This sequence change replaces threonine, which is neutral and polar, with alanine, which is neutral and non-polar, at codon 1963 of the FANCM protein (p.Thr1963Ala). This variant is present in population databases (rs757062269, gnomAD 0.004%). This variant has not been reported in the literature in individuals affected with FANCM-related conditions. ClinVar contains an entry for this variant (Variation ID: 313228). An algorithm developed to predict the effect of missense changes on protein structure and function outputs the following: PolyPhen-2: "Benign". The alanine amino acid residue is found in multiple mammalian species, which suggests that this missense change does not adversely affect protein function. In summary, the available evidence is currently insufficient to determine the role of this variant in disease. Therefore, it has been classified as a Variant of Uncertain Significance.

NM_020937.4(FANCM):c.5887A>G (p.Thr1963Ala)

Gene: FANCM (FA complementation group M; plus strand). Cytogenetic location: 14q21.2.
Variant type: single nucleotide variant.
Coding change: c.5887A>G on transcript NM_020937.4 (MANE Select); coding-DNA position 5887, A replaced by G.
Protein change: p.Thr1963Ala; replaces threonine 1963 with alanine.
Molecular consequence: missense variant.
Genome position (GRCh38, 1-based): chr14:45,198,814, A>G. VCF-style: chr14-45198814-A-G. GRCh37 (hg19) VCF-style: chr14-45668017-A-G.
Other names: c.5887A>G (LRG_502t1); c.5809A>G, p.Thr1937Ala (NM_001308133.2); short protein forms T1963A, T1937A.
Identifiers: ClinVar variation 313228 (VCV000313228.13), dbSNP rs757062269, ClinGen allele CA7170083.